The following is an entry in ClinVar:

ClinVar aggregate classification (germline): Conflicting classifications of pathogenicity. Review status: criteria provided, conflicting classifications (1 of 4 stars). 3 submissions from 3 submitters: Uncertain significance (2); Likely benign (1). Last evaluated 2023-04-04.

Conditions:
Hereditary cancer-predisposing syndrome. Also called: Neoplastic Syndromes, Hereditary; Tumor predisposition; Hereditary Cancer Syndrome; Hereditary neoplastic syndrome. Identifiers: Orphanet 140162, MedGen C0027672, MeSH D009386, MONDO:0015356.

Submissions (3):

Color Diagnostics, LLC DBA Color Health
Classification: Uncertain significance for Hereditary cancer-predisposing syndrome. Last evaluated: 2023-04-04. Review status: criteria provided, single submitter. Criteria: ACMG Guidelines, 2015. Collection method: clinical testing. Allele origin: germline.
Comment: This missense variant replaces isoleucine with methionine at codon 845 of the BRCA1 protein. Computational prediction is inconclusive regarding the impact of this variant on protein structure and function (internally defined REVEL score threshold 0.5 < inconclusive < 0.7, PMID: 27666373). To our knowledge, functional studies have not been reported for this variant. This variant has not been reported in individuals affected with BRCA1-related disorders in the literature. This variant has not been identified in the general population by the Genome Aggregation Database (gnomAD). The available evidence is insufficient to determine the role of this variant in disease conclusively. Therefore, this variant is classified as a Variant of Uncertain Significance.

University of Washington Department of Laboratory Medicine, University of Washington
Classification: Likely benign for Hereditary cancer-predisposing syndrome. Last evaluated: 2023-03-23. Review status: criteria provided, single submitter. Criteria: Dines et al. (Genet Med. 2020). Collection method: curation. Allele origin: germline.
Comment: Missense variant in a coldspot region where missense variants are very unlikely to be pathogenic (PMID:31911673).

BRCA1 coldspot (exon 11 using historical exon numbering). Reclassification based on statistical prior probability

Ambry Genetics
Classification: Uncertain significance for Hereditary cancer-predisposing syndrome. Last evaluated: 2018-06-26. Review status: criteria provided, single submitter. Criteria: Ambry Variant Classification Scheme 2023. Collection method: clinical testing. Allele origin: germline.
Comment: The p.I845M variant (also known as c.2535A>G), located in coding exon 9 of the BRCA1 gene, results from an A to G substitution at nucleotide position 2535. The isoleucine at codon 845 is replaced by methionine, an amino acid with highly similar properties. This amino acid position is poorly conserved in available vertebrate species. In addition, the in silico prediction for this alteration is inconclusive. Since supporting evidence is limited at this time, the clinical significance of this alteration remains unclear.

NM_007294.4(BRCA1):c.2535A>G (p.Ile845Met)

Gene: BRCA1 (BRCA1 DNA repair associated; minus strand). Cytogenetic location: 17q21.31.
Variant type: single nucleotide variant.
Coding change: c.2535A>G on transcript NM_007294.4 (MANE Select); coding-DNA position 2535, A replaced by G.
Protein change: p.Ile845Met; replaces isoleucine 845 with methionine.
Molecular consequence: missense variant. On other transcripts: intron variant (137).
Genome position (GRCh38, 1-based): chr17:43,092,996, T>C on the plus strand (A>G on the coding strand, the complement: BRCA1 is on the minus strand). VCF-style: chr17-43092996-T-C. GRCh37 (hg19) VCF-style: chr17-41245013-T-C.
Other names: c.2322A>G, p.Ile774Met (NM_001407571.1, NM_001407853.1, NM_001407894.1 and 9 more transcripts); c.2535A>G, p.Ile845Met (NM_001407581.1, NM_001407582.1, NM_001407583.1 and 30 more transcripts); c.2532A>G, p.Ile844Met (NM_001407587.1, NM_001407590.1, NM_001407591.1 and 22 more transcripts); c.2526A>G, p.Ile842Met (NM_001407646.1, NM_001407647.1); c.2412A>G, p.Ile804Met (NM_001407648.1, NM_001407664.1, NM_001407665.1 and 19 more transcripts); c.2409A>G, p.Ile803Met (NM_001407649.1, NM_001407670.1, NM_001407671.1 and 11 more transcripts); c.2457A>G, p.Ile819Met (NM_001407653.1, NM_001407654.1, NM_001407655.1 and 4 more transcripts); c.2454A>G, p.Ile818Met (NM_001407659.1, NM_001407660.1, NM_001407661.1 and 1 more transcripts); and 41 more; short protein forms I798M, I845M, I717M, I734M, I775M, I777M, I804M, I818M.
Identifiers: ClinVar variation 821409 (VCV000821409.9), dbSNP rs876660248, ClinGen allele CA10596928.
Genomic context (GRCh38, chr17:43,092,996, plus strand): 5'-CTTTGAAACCTTGAATGTATTCTGCAAATACTGAGCATCAAGTTCACTTTCTTCCATTTC[T>C]ATGCTTGTTTCCCGACTGTGGTTAACTTCATGTCCCAATGGATACTTAAAGCCTTCTGTG-3'
Protein context (NP_009225.1, residues 835-855): HEVNHSRETS[Ile845Met]EMEESELDAQ